The following is an entry in ClinVar:

NM_014141.6(CNTNAP2):c.1679C>G (p.Pro560Arg)

Gene: CNTNAP2 (contactin associated protein 2; plus strand). Cytogenetic location: 7q35.
Variant type: single nucleotide variant.
Coding change: c.1679C>G on transcript NM_014141.6 (MANE Select); coding-DNA position 1679, C replaced by G.
Protein change: p.Pro560Arg; replaces proline 560 with arginine.
Molecular consequence: missense variant.
Genome position (GRCh38, 1-based): chr7:147,485,943, C>G. VCF-style: chr7-147485943-C-G. GRCh37 (hg19) VCF-style: chr7-147183035-C-G.
Other names: short protein forms P560R.
Identifiers: ClinVar variation 421713 (VCV000421713.2), dbSNP rs1064795313, ClinGen allele CA16618380.

ClinVar aggregate classification (germline): Uncertain significance. Review status: criteria provided, multiple submitters, no conflicts (2 of 4 stars). 2 submissions from 2 submitters: Uncertain significance (2). Last evaluated 2019-01-08.

Conditions:
Cortical dysplasia-focal epilepsy syndrome (PTHSL1). Also called: Pitt-Hopkins-like syndrome 1. Identifiers: Orphanet 163681, Orphanet 221150, MedGen C2750246, MONDO:0012400, OMIM 610042.

Allele frequency attached by ClinVar (database versions not stated): gnomAD exomes below 0.00001; TOPMed below 0.00001.
gnomAD v4.1: 5 of 1,613,896 alleles (0.00031%); highest among the groups gnomAD compares: South Asian, 0.0022%; no homozygotes.

Submissions (2):

GeneDx
Classification: Uncertain significance. Last evaluated: 2019-01-08. Review status: criteria provided, single submitter. Criteria: GeneDx Variant Classification (06012015). Collection method: clinical testing. Allele origin: germline. Affected: yes.
Comment: A variant of uncertain significance has been identified in the CNTNAP2 gene. The P560R varianthas not been published as a pathogenic variant, nor has it been reported as a benign variant to ourknowledge. It was not observed in approximately 6,500 individuals of European and AfricanAmerican ancestry in the NHLBI Exome Sequencing Project, indicating it is not a common benignvariant in these populations. The P560R variant is a non-conservative amino acid substitution,which is likely to impact secondary protein structure as these residues differ in polarity, charge,size and/or other properties. This substitution occurs at a position that is conserved acrossspecies, and in silico analysis predicts this variant is probably damaging to the proteinstructure/function. Based on the currently available information, it is unclear whether this variantis a pathogenic variant or a rare benign variant.

Labcorp Genetics (formerly Invitae), Labcorp
Classification: Uncertain significance for Cortical dysplasia-focal epilepsy syndrome. Last evaluated: 2018-04-04. Review status: criteria provided, single submitter. Criteria: Invitae Variant Classification Sherloc (09022015). Collection method: clinical testing. Allele origin: germline.
Comment: This sequence change replaces proline with arginine at codon 560 of the CNTNAP2 protein (p.Pro560Arg). The proline residue is moderately conserved and there is a moderate physicochemical difference between proline and arginine. This variant is not present in population databases (ExAC no frequency). This variant has not been reported in the literature in individuals with CNTNAP2-related disease. ClinVar contains an entry for this variant (Variation ID: 421713). Algorithms developed to predict the effect of missense changes on protein structure and function do not agree on the potential impact of this missense change (SIFT: "Deleterious"; PolyPhen-2: "Probably Damaging"; Align-GVGD: "Class C0"). In summary, the available evidence is currently insufficient to determine the role of this variant in disease. Therefore, it has been classified as a Variant of Uncertain Significance.